The following is an entry in ClinVar:

NM_001103.4(ACTN2):c.905C>T (p.Pro302Leu)

Gene: ACTN2 (actinin alpha 2; plus strand). Cytogenetic location: 1q43.
Variant type: single nucleotide variant.
Coding change: c.905C>T on transcript NM_001103.4 (MANE Select); coding-DNA position 905, C replaced by T.
Protein change: p.Pro302Leu; replaces proline 302 with leucine.
Molecular consequence: missense variant.
Genome position (GRCh38, 1-based): chr1:236,739,330, C>T. VCF-style: chr1-236739330-C-T. GRCh37 (hg19) VCF-style: chr1-236902630-C-T.
Other names: c.905C>T, p.Pro302Leu (NM_001278343.2); c.281C>T, p.Pro94Leu (NM_001278344.2); c.155C>T, p.Pro52Leu (NM_001412150.1); short protein forms P302L, P52L, P94L.
Identifiers: ClinVar variation 1712056 (VCV001712056.4), dbSNP rs1486360274, ClinGen allele CA345379985.

ClinVar aggregate classification (germline): Uncertain significance. Review status: criteria provided, multiple submitters, no conflicts (2 of 4 stars). 2 submissions from 2 submitters: Uncertain significance (2). Last evaluated 2022-04-19.

Conditions:
Cardiovascular phenotype. Identifiers: MedGen CN230736.

Allele frequency attached by ClinVar (database versions not stated): gnomAD exomes below 0.00001; TOPMed below 0.00001.
gnomAD v4.1: 2 of 1,613,996 alleles (0.00012%); highest among the groups gnomAD compares: Non-Finnish European, 0.00017%; no homozygotes.

Submissions (2):

GeneDx
Classification: Uncertain significance. Last evaluated: 2022-04-19. Review status: criteria provided, single submitter. Criteria: GeneDx Variant Classification Process June 2021. Collection method: clinical testing. Allele origin: germline. Affected: yes.
Comment: Not observed at significant frequency in large population cohorts (gnomAD); In silico analysis supports that this missense variant has a deleterious effect on protein structure/function; Has not been previously published as pathogenic or benign to our knowledge

Ambry Genetics
Classification: Uncertain significance for Cardiovascular phenotype. Last evaluated: 2022-01-27. Review status: criteria provided, single submitter. Criteria: Ambry Variant Classification Scheme 2023. Collection method: clinical testing. Allele origin: germline.
Comment: The p.P302L variant (also known as c.905C>T), located in coding exon 10 of the ACTN2 gene, results from a C to T substitution at nucleotide position 905. The proline at codon 302 is replaced by leucine, an amino acid with similar properties. This amino acid position is highly conserved in available vertebrate species. In addition, the in silico prediction for this alteration is inconclusive. Since supporting evidence is limited at this time, the clinical significance of this alteration remains unclear.